The following is an entry in ClinVar:

NM_001386795.1(DTNA):c.894G>T (p.Lys298Asn)

Gene: DTNA (dystrobrevin alpha; plus strand). Cytogenetic location: 18q12.1.
Variant type: single nucleotide variant.
Coding change: c.894G>T on transcript NM_001386795.1 (MANE Select); coding-DNA position 894, G replaced by T.
Protein change: p.Lys298Asn; replaces lysine 298 with asparagine.
Molecular consequence: missense variant. On other transcripts: 5 prime UTR variant (4), intron variant (1).
Genome position (GRCh38, 1-based): chr18:34,820,808, G>T. VCF-style: chr18-34820808-G-T. GRCh37 (hg19) VCF-style: chr18-32400772-G-T.
Other names: c.894G>T, p.Lys298Asn (NM_001128175.2, NM_001198938.2, NM_001198939.2 and 34 more transcripts); c.-61G>T (NM_001198942.1, NM_001198944.1, NM_032980.4 and 1 more transcripts); c.144G>T, p.Lys48Asn (NM_001198943.1); c.603+8695G>T (NM_001198945.2); short protein forms K298N, K48N.
Identifiers: ClinVar variation 999841 (VCV000999841.8), dbSNP rs2095696064, ClinGen allele CA402169133.

ClinVar aggregate classification (germline): Uncertain significance (1 of 4 stars; one submission).

Conditions:
Left ventricular noncompaction 1 (LVNC1). Also called: LEFT VENTRICULAR NONCOMPACTION 1 WITH OR WITHOUT CONGENITAL HEART DEFECTS. Identifiers: Orphanet 54260, MedGen C1858725, MONDO:0011403, OMIM 604169.

Allele frequency attached by ClinVar (database versions not stated): TOPMed 0.00001.

Submission:

Labcorp Genetics (formerly Invitae), Labcorp
Classification: Uncertain significance for Left ventricular noncompaction 1. Last evaluated: 2024-12-20. Review status: criteria provided, single submitter. Criteria: Invitae Variant Classification Sherloc (09022015). Collection method: clinical testing. Allele origin: germline.
Comment: This sequence change replaces lysine, which is basic and polar, with asparagine, which is neutral and polar, at codon 298 of the DTNA protein (p.Lys298Asn). This variant is not present in population databases (gnomAD no frequency). This variant has not been reported in the literature in individuals affected with DTNA-related conditions. ClinVar contains an entry for this variant (Variation ID: 999841). Invitae Evidence Modeling of protein sequence and biophysical properties (such as structural, functional, and spatial information, amino acid conservation, physicochemical variation, residue mobility, and thermodynamic stability) indicates that this missense variant is not expected to disrupt DTNA protein function with a negative predictive value of 80%. In summary, the available evidence is currently insufficient to determine the role of this variant in disease. Therefore, it has been classified as a Variant of Uncertain Significance.